The following is an entry in ClinVar:

ClinVar aggregate classification (germline): Pathogenic. Review status: criteria provided, multiple submitters, no conflicts (2 of 4 stars). 8 submissions from 8 submitters: Pathogenic (7). 1 of the submissions does not count toward it. Last evaluated 2025-10-10.

Conditions:
VPS13B-related disorder. Also called: VPS13B-related condition.
Cohen syndrome (COH1). Also called: PEPPER SYNDROME; Cutis verticis gyrata, retinitis pigmentosa, and sensorineural deafness. Identifiers: Orphanet 193, MedGen C0265223, MONDO:0008999, OMIM 216550.

Allele frequency attached by ClinVar (database versions not stated): gnomAD 0.00001; TOPMed 0.00003; 1000 Genomes Project 30x 0.00016; 1000 Genomes Project 0.00020.
gnomAD v4.1: 6 of 1,613,666 alleles (0.00037%); highest among the groups gnomAD compares: East Asian, 0.011%; no homozygotes.

Submissions (8):

Institute of Human Genetics Munich, TUM University Hospital
Classification: Pathogenic for Cohen syndrome. Last evaluated: 2025-10-10. Review status: criteria provided, single submitter. Criteria: Classification criteria August 2017. Collection method: clinical testing. Allele origin: inherited. Inheritance: Autosomal recessive inheritance. Affected: yes. Observed: 1 variant allele.

Natera, Inc.
Classification: Pathogenic for Cohen syndrome. Last evaluated: 2025-03-24. Review status: criteria provided, single submitter. Criteria: Natera Variant Classification Schema (03/2026). Collection method: clinical testing. Allele origin: germline.
Comment: The c.6940+1G>T variant in VPS13B is a canonical splice donor site variant predicted to affect pre-mRNA splicing, which may result in an abnormal transcript and altered protein product. This variant is expected to result in nonsense mediated decay, truncation, or a dysfunctional protein product. This variant is rare in the general population with a frequency below the threshold expected for the associated phenotype(s). This variant has been observed in one or more individuals affected with the associated recessive disease, as either homozygous or compound heterozygous with a second variant (PMID: 33025479, 33959574, 29758347). Given the available evidence, this variant is classified as Pathogenic.

Labcorp Genetics (formerly Invitae), Labcorp
Classification: Pathogenic for Cohen syndrome. Last evaluated: 2024-05-23. Review status: criteria provided, single submitter. Criteria: Invitae Variant Classification Sherloc (09022015). Collection method: clinical testing. Allele origin: germline.
Comment: This sequence change affects a donor splice site in intron 38 of the VPS13B gene. It is expected to disrupt RNA splicing. Variants that disrupt the donor or acceptor splice site typically lead to a loss of protein function (PMID: 16199547), and loss-of-function variants in VPS13B are known to be pathogenic (PMID: 15141358, 16648375, 20461111). This variant is present in population databases (rs202046738, gnomAD 0.006%). Disruption of this splice site has been observed in individuals with Cohen syndrome (PMID: 29758347, 30138938). ClinVar contains an entry for this variant (Variation ID: 644958). Algorithms developed to predict the effect of sequence changes on RNA splicing suggest that this variant may disrupt the consensus splice site. For these reasons, this variant has been classified as Pathogenic.

Fulgent Genetics
Classification: Pathogenic for Cohen syndrome. Last evaluated: 2022-04-11. Review status: criteria provided, single submitter. Criteria: ACMG Guidelines, 2015. Collection method: clinical testing. Allele origin: unknown.

Myriad Genetics, Inc.
Classification: Pathogenic for Cohen syndrome. Last evaluated: 2021-11-08. Review status: criteria provided, single submitter. Criteria: Myriad Women's Health Autosomal Recessive and X-Linked Classification Criteria (2021). Collection method: clinical testing. Allele origin: unknown.
Comment: NM_017890.4(VPS13B):c.6940+1G>T is a canonical splice variant classified as pathogenic in the context of Cohen syndrome. c.6940+1G>T has been observed in cases with relevant disease (PMID: 29758347, 33025479, 30138938). Functional assessments of this variant are available in the literature (PMID: 33025479). c.6940+1G>T has been observed in population frequency databases (gnomAD: EAS 0.01%). In summary, NM_017890.4(VPS13B):c.6940+1G>T is a canonical splice variant in a gene where loss of function is a known mechanism of disease, is predicted to disrupt protein function, and has been observed more frequently in cases with the relevant disease than in healthy populations. Please note: this variant was assessed in the context of healthy population screening.

Blueprint Genetics
Classification: Pathogenic for VPS13B-related disorders. Last evaluated: 2021-03-30. Review status: criteria provided, single submitter. Criteria: ACMG Guidelines, 2015. Collection method: clinical testing. Allele origin: germline. Affected: yes. Observed: 3 variant alleles.

Juno Genomics, Hangzhou Juno Genomics, Inc
Classification: Pathogenic for Cohen syndrome. Review status: criteria provided, single submitter. Criteria: ACMG Guidelines, 2015. Collection method: clinical testing. Allele origin: germline.
Comment: Absent from controls (or at extremely low frequency if recessive) in Genome Aggregation Database.;Null variant in a gene where loss of function (LOF) is a known mechanism of disease.;For recessive disorders, detected in trans with a pathogenic variant.;Patient's phenotype or family history is highly specific for a disease with a single genetic etiology.

Medical Genetic Department, The Affiliated Hospital of Qingdao University
Classification: Pathogenic for Cohen syndrome. Last evaluated: 2020-09-01. Review status: no assertion criteria provided. Collection method: clinical testing. Allele origin: inherited. Inheritance: Autosomal recessive inheritance. Affected: yes. Observed: 1 variant allele, 1 homozygote. Not counted in ClinVar's aggregate classification.

Literature cited by the submitters: PubMed 33025479 (cited by Natera, Inc. and Myriad Genetics, Inc.); PubMed 33959574 (cited by Natera, Inc.); PubMed 29758347 (cited by 3 submitters); PubMed 16199547 (cited by Labcorp Genetics (formerly Invitae), Labcorp); PubMed 15141358 (cited by Labcorp Genetics (formerly Invitae), Labcorp); PubMed 16648375 (cited by Labcorp Genetics (formerly Invitae), Labcorp); PubMed 20461111 (cited by Labcorp Genetics (formerly Invitae), Labcorp); PubMed 30138938 (cited by Labcorp Genetics (formerly Invitae), Labcorp and Myriad Genetics, Inc.); DOI 10.1007/s12031-020-01713-6 (cited by Medical Genetic Department, The Affiliated Hospital of Qingdao University).

NM_152564.5(VPS13B):c.6865+1G>T

Gene: VPS13B (vacuolar protein sorting 13 homolog B; plus strand). Cytogenetic location: 8q22.2.
Variant type: single nucleotide variant.
Coding change: c.6865+1G>T on transcript NM_152564.5 (MANE Select); the canonical splice donor site of the intron after coding-DNA position 6865, G replaced by T.
Molecular consequence: splice donor variant.
Genome position (GRCh38, 1-based): chr8:99,720,553, G>T. VCF-style: chr8-99720553-G-T. GRCh37 (hg19) VCF-style: chr8-100732781-G-T.
Other names: c.6940+1G>T (NM_017890.5).
Identifiers: ClinVar variation 644958 (VCV000644958.23), dbSNP rs202046738, ClinGen allele CA183029776.
Genomic context (GRCh38, chr8:99,720,553, plus strand): 5'-AAAGTGAACAAAGTTCAGATGACCTACGGACAGGTCTATTTCAGTATGTACAGGATGCTG[G>T]TAAGTAGCAACAGACTCAGTATGAGAGTGTCTCTGTGCATGTGGTTGCATTTTAAATGCA-3'